The following is an entry in ClinVar:

ClinVar aggregate classification (germline): Uncertain significance (1 of 4 stars; one submission).

Conditions:
Hereditary cancer-predisposing syndrome. Also called: Neoplastic Syndromes, Hereditary; Tumor predisposition; Hereditary Cancer Syndrome; Hereditary neoplastic syndrome. Identifiers: Orphanet 140162, MedGen C0027672, MeSH D009386, MONDO:0015356.

Submission:

Ambry Genetics
Classification: Uncertain significance for Hereditary cancer-predisposing syndrome. Last evaluated: 2022-04-03. Review status: criteria provided, single submitter. Criteria: Ambry Variant Classification Scheme 2023. Collection method: clinical testing. Allele origin: germline.
Comment: The p.Y991H variant (also known as c.2971T>C), located in coding exon 21 of the MSH3 gene, results from a T to C substitution at nucleotide position 2971. The tyrosine at codon 991 is replaced by histidine, an amino acid with similar properties. This amino acid position is conserved. In addition, the in silico prediction for this alteration is inconclusive. Since supporting evidence is limited at this time, the clinical significance of this alteration remains unclear.

NM_002439.5(MSH3):c.2971T>C (p.Tyr991His)

Gene: MSH3 (mutS homolog 3; plus strand). Cytogenetic location: 5q14.1.
Variant type: single nucleotide variant.
Coding change: c.2971T>C on transcript NM_002439.5 (MANE Select); coding-DNA position 2971, T replaced by C.
Protein change: p.Tyr991His; replaces tyrosine 991 with histidine.
Molecular consequence: missense variant.
Genome position (GRCh38, 1-based): chr5:80,854,287, T>C. VCF-style: chr5-80854287-T-C. GRCh37 (hg19) VCF-style: chr5-80150106-T-C.
Other names: short protein forms Y991H.
Identifiers: ClinVar variation 1798294 (VCV001798294.2), dbSNP rs2478771971, ClinGen allele CA360275800.